The following is an entry in ClinVar:

NM_001447.3(FAT2):c.774G>A (p.Ser258=)

Gene: FAT2 (FAT atypical cadherin 2; minus strand). Cytogenetic location: 5q33.1.
Variant type: single nucleotide variant.
Coding change: c.774G>A on transcript NM_001447.3 (MANE Select); coding-DNA position 774, G replaced by A.
Protein change: p.Ser258=; no amino-acid change (serine 258 retained).
Molecular consequence: synonymous variant.
Genome position (GRCh38, 1-based): chr5:151,568,158, C>T on the plus strand (G>A on the coding strand, the complement: FAT2 is on the minus strand). VCF-style: chr5-151568158-C-T. GRCh37 (hg19) VCF-style: chr5-150947719-C-T.
Identifiers: ClinVar variation 1285259 (VCV001285259.10), dbSNP rs3734060, ClinGen allele CA3522371.

ClinVar aggregate classification (germline): Benign. Review status: criteria provided, multiple submitters, no conflicts (2 of 4 stars). 4 submissions from 4 submitters: Benign (3). 1 of the submissions does not count toward it. Last evaluated 2026-02-03.

Conditions:
Spinocerebellar ataxia 45. Identifiers: Orphanet 589527, MedGen C4540400, MONDO:0033480, OMIM 617769.
FAT2-related disorder. Also called: FAT2-related condition.

Allele frequency attached by ClinVar (database versions not stated): TOPMed 0.47621; ESP Exome Variant Server 0.49608; 1000 Genomes Project 30x 0.42036; gnomAD exomes 0.46600 and 0.50561; ExAC 0.46834; gnomAD 0.48578 and 0.49039.
gnomAD v4.1: 812,823 of 1,613,732 alleles (50%); highest among the groups gnomAD compares: Non-Finnish European, 53%; 208,079 homozygotes.

Submissions (4):

Labcorp Genetics (formerly Invitae), Labcorp
Classification: Benign. Last evaluated: 2026-02-03. Review status: criteria provided, single submitter. Criteria: Invitae Variant Classification Sherloc (09022015). Collection method: clinical testing. Allele origin: germline.

Genome-Nilou Lab
Classification: Benign for Spinocerebellar ataxia 45. Last evaluated: 2021-08-10. Review status: criteria provided, single submitter. Criteria: ACMG Guidelines, 2015. Collection method: clinical testing. Allele origin: germline. Affected: no.

GeneDx
Classification: Benign. Last evaluated: 2020-07-02. Review status: criteria provided, single submitter. Criteria: GeneDx Variant Classification Process June 2021. Collection method: clinical testing. Allele origin: germline. Affected: yes.

PreventionGenetics, part of Exact Sciences
Classification: Benign for FAT2-related condition. Last evaluated: 2019-07-08. Review status: no assertion criteria provided. Collection method: clinical testing. Allele origin: germline. Not counted in ClinVar's aggregate classification.
Comment: This variant is classified as benign based on ACMG/AMP sequence variant interpretation guidelines (Richards et al. 2015 PMID: 25741868, with internal and published modifications).